The following is an entry in ClinVar:

NM_001244008.2(KIF1A):c.883-5C>A

Gene: KIF1A (kinesin family member 1A; minus strand). Cytogenetic location: 2q37.3.
Variant type: single nucleotide variant.
Coding change: c.883-5C>A on transcript NM_001244008.2 (MANE Select); 5 bases into the intron before coding-DNA position 883, C replaced by A.
Molecular consequence: intron variant.
Genome position (GRCh38, 1-based): chr2:240,775,931, G>T on the plus strand (C>A on the coding strand, the complement: KIF1A is on the minus strand). VCF-style: chr2-240775931-G-T. GRCh37 (hg19) VCF-style: chr2-241715348-G-T.
Other names: p.?; c.883-5C>A (NM_001244008.1, NM_004321.7, NM_001379653.1 and 22 more transcripts).
Identifiers: ClinVar variation 464264 (VCV000464264.83), dbSNP rs201408083, ClinGen allele CA2208597.

ClinVar aggregate classification (germline): Likely benign. Review status: criteria provided, multiple submitters, no conflicts (2 of 4 stars). 9 submissions from 9 submitters: Likely benign (6). 3 of the submissions do not count toward it. Last evaluated 2026-02-02.

Conditions:
KIF1A-related disorder. Also called: KIF1A-related disorders; KIF1A-related condition.
Inborn genetic diseases. Identifiers: MedGen C0950123, MeSH D030342.
Hereditary spastic paraplegia 30. Identifiers: Orphanet 101010, MedGen C5235139, MONDO:0012476.
Neuropathy, hereditary sensory, type 2C. Also called: Hereditary sensory and autonomic neuropathy type IIC; KIF1A-Related HSAN2 (HSAN2C). Identifiers: Orphanet 970, MedGen C3280168, MONDO:0013634, OMIM 614213.
Intellectual disability, autosomal dominant 9 (NESCAVS). Also called: NESCAV SYNDROME; KIF1A-Related Neurodevelopmental Disorder. Identifiers: Orphanet 662367, MedGen C5393830, MONDO:0013656, OMIM 614255.

Allele frequency attached by ClinVar (database versions not stated): ESP Exome Variant Server 0.00025; TOPMed 0.00040; gnomAD 0.00067; 1000 Genomes Project 30x 0.00094; 1000 Genomes Project 0.00120.
gnomAD v4.1: 208 of 1,599,922 alleles (0.013%); highest among the groups gnomAD compares: African/African-American, 0.13%; 1 homozygote.

Submissions (10):

Labcorp Genetics (formerly Invitae), Labcorp
Classification: Likely benign for Hereditary spastic paraplegia 30; Neuropathy, hereditary sensory, type 2C; Intellectual disability, autosomal dominant 9. Last evaluated: 2026-02-02. Review status: criteria provided, single submitter. Criteria: Invitae Variant Classification Sherloc (09022015). Collection method: clinical testing. Allele origin: germline.

Mayo Clinic Laboratories, Mayo Clinic
Classification: Likely benign. Last evaluated: 2025-09-03. Review status: criteria provided, single submitter. Criteria: ACMG Guidelines, 2015. Collection method: clinical testing. Allele origin: germline. Observed: 1 variant allele.
Comment: BS1, BP4, BP7

Blueprint Genetics
Classification: Likely benign. Last evaluated: 2024-10-24. Review status: criteria provided, single submitter. Criteria: ACMG Guidelines, 2015. Collection method: clinical testing. Allele origin: germline.

CeGaT Center for Human Genetics Tuebingen
Classification: Likely benign. Last evaluated: 2024-10-01. Review status: criteria provided, single submitter. Criteria: CeGaT Center For Human Genetics Tuebingen Variant Classification Criteria Version 2. Collection method: clinical testing. Allele origin: germline. Affected: yes. Observed: 3 variant alleles.
Comment: KIF1A: BP4

GeneDx
Classification: Likely benign. Last evaluated: 2021-03-25. Review status: criteria provided, single submitter. Criteria: GeneDx Variant Classification Process June 2021. Collection method: clinical testing. Allele origin: germline. Affected: yes.

Ambry Genetics
Classification: Likely benign for Inborn genetic diseases. Last evaluated: 2018-05-24. Review status: criteria provided, single submitter. Criteria: Ambry Variant Classification Scheme 2023. Collection method: clinical testing. Allele origin: germline.

PreventionGenetics, part of Exact Sciences
Classification: Likely benign for KIF1A-related condition. Last evaluated: 2024-08-15. Review status: no assertion criteria provided. Collection method: clinical testing. Allele origin: germline. Not counted in ClinVar's aggregate classification.
Comment: This variant is classified as likely benign based on ACMG/AMP sequence variant interpretation guidelines (Richards et al. 2015 PMID: 25741868, with internal and published modifications).

Clinical Genetics DNA and cytogenetics Diagnostics Lab, Erasmus MC, Erasmus Medical Center
Classification: Likely benign. Review status: no assertion criteria provided. Collection method: clinical testing. Allele origin: germline. Affected: yes. Study: VKGL Data-share Consensus. Not counted in ClinVar's aggregate classification.

Clinical Genetics, Academic Medical Center
Classification: Likely benign. Review status: no assertion criteria provided. Collection method: clinical testing. Allele origin: germline. Affected: yes. Study: VKGL Data-share Consensus. Not counted in ClinVar's aggregate classification.

Dr. Peter K. Rogan Lab, Western University
No classification provided (evidence only). Condition: Familial cancer of breast. Review status: no classification provided. Collection method: in vitro. Allele origin: not applicable. Functional consequence: retained intron. Not counted in ClinVar's aggregate classification.